The following is an entry in ClinVar:

NM_004560.4(ROR2):c.1318C>T (p.Gln440Ter)

Gene: ROR2 (receptor tyrosine kinase like orphan receptor 2; minus strand). Cytogenetic location: 9q22.31.
Variant type: single nucleotide variant.
Coding change: c.1318C>T on transcript NM_004560.4 (MANE Select); coding-DNA position 1318, C replaced by T.
Protein change: p.Gln440Ter; replaces glutamine 440 with a stop codon.
Molecular consequence: nonsense. On other transcripts: synonymous variant (1).
Genome position (GRCh38, 1-based): chr9:91,726,609, G>A on the plus strand (C>T on the coding strand, the complement: ROR2 is on the minus strand). VCF-style: chr9-91726609-G-A. GRCh37 (hg19) VCF-style: chr9-94488891-G-A.
Other names: c.1284C>T, p.Arg428= (NM_001318204.2); short protein forms Q440*.
Identifiers: ClinVar variation 2753585 (VCV002753585.3), dbSNP rs766058276, ClinGen allele CA5120727.

ClinVar aggregate classification (germline): Pathogenic (1 of 4 stars; one submission).

Allele frequency attached by ClinVar (database versions not stated): gnomAD exomes below 0.00001; ExAC 0.00001.
gnomAD v4.1: 1 of 1,613,964 alleles (0.000062%); highest among the groups gnomAD compares: South Asian, 0.0011%; no homozygotes.

Submission:

Labcorp Genetics (formerly Invitae), Labcorp
Classification: Pathogenic. Last evaluated: 2023-10-17. Review status: criteria provided, single submitter. Criteria: Invitae Variant Classification Sherloc (09022015). Collection method: clinical testing. Allele origin: germline.
Comment: This sequence change creates a premature translational stop signal (p.Gln440*) in the ROR2 gene. It is expected to result in an absent or disrupted protein product. Loss-of-function variants in ROR2 are known to be pathogenic (PMID: 10932186). This variant is present in population databases (rs766058276, gnomAD 0.003%). This variant has not been reported in the literature in individuals affected with ROR2-related conditions. For these reasons, this variant has been classified as Pathogenic.

Literature cited by the submitters: PubMed 10932186.